The following is an entry in ClinVar:

NM_001145809.2(MYH14):c.1304_1305del (p.Val435fs)

Gene: MYH14 (myosin heavy chain 14; plus strand). Cytogenetic location: 19q13.33.
Variant type: Microsatellite.
Coding change: c.1304_1305del on transcript NM_001145809.2 (MANE Select); coding-DNA positions 1304 to 1305, 2 bases deleted (TG; older notation c.1304_1305delTG).
Protein change: p.Val435fs; shifts the reading frame from valine 435.
Molecular consequence: frameshift variant.
Genome position (GRCh38, 1-based): chr19:50,247,097-50,247,098, TG deleted; deleting any 2 consecutive bases within chr19:50,247,095-50,247,098 gives the same sequence; the c. name uses the placement nearest the transcript's 3' end. VCF-style (leftmost placement, unchanged base first): chr19-50247094-ATG-A. GRCh37 (hg19) VCF-style: chr19-50750351-ATG-A.
Other names: c.1304_1305del, p.Val435fs (NM_001077186.2); c.1280_1281del, p.Val427fs (NM_024729.4); short protein forms V427fs, V435fs.
Identifiers: ClinVar variation 1454721 (VCV001454721.6), dbSNP rs2123294954, ClinGen allele CA2580614943.

ClinVar aggregate classification (germline): Pathogenic (1 of 4 stars; one submission).

Submission:

Labcorp Genetics (formerly Invitae), Labcorp
Classification: Pathogenic. Last evaluated: 2022-10-18. Review status: criteria provided, single submitter. Criteria: Invitae Variant Classification Sherloc (09022015). Collection method: clinical testing. Allele origin: germline.
Comment: This sequence change creates a premature translational stop signal (p.Val427Alafs*6) in the MYH14 gene. It is expected to result in an absent or disrupted protein product. Loss-of-function variants in MYH14 are known to be pathogenic (PMID: 15015131, 28221712). This variant is not present in population databases (gnomAD no frequency). This variant has not been reported in the literature in individuals affected with MYH14-related conditions. For these reasons, this variant has been classified as Pathogenic.

Literature cited by the submitters: PubMed 15015131; PubMed 28221712.